The following is an entry in ClinVar:

NM_001199753.2(CPT1C):c.391T>C (p.Ser131Pro)

Gene: CPT1C (carnitine palmitoyltransferase 1C; plus strand). Cytogenetic location: 19q13.33.
Variant type: single nucleotide variant.
Coding change: c.391T>C on transcript NM_001199753.2 (MANE Select); coding-DNA position 391, T replaced by C.
Protein change: p.Ser131Pro; replaces serine 131 with proline.
Molecular consequence: missense variant. On other transcripts: non-coding transcript variant (1).
Genome position (GRCh38, 1-based): chr19:49,700,793, T>C. VCF-style: chr19-49700793-T-C. GRCh37 (hg19) VCF-style: chr19-50204050-T-C.
Other names: c.391T>C, p.Ser131Pro (NM_001136052.3, NM_001199752.3, NM_001378482.1 and 7 more transcripts); short protein forms S131P.
Identifiers: ClinVar variation 2718104 (VCV002718104.3), dbSNP rs2082971645, ClinGen allele CA406899599.

ClinVar aggregate classification (germline): Uncertain significance (1 of 4 stars; one submission).

Conditions:
Hereditary spastic paraplegia 73. Also called: Spastic paraplegia 73, autosomal dominant. Identifiers: Orphanet 444099, MedGen C5568981, MONDO:0014568, OMIM 616282.

Allele frequency attached by ClinVar (database versions not stated): gnomAD exomes below 0.00001; gnomAD 0.00001.
gnomAD v4.1: 4 of 1,613,354 alleles (0.00025%); highest among the groups gnomAD compares: Non-Finnish European, 0.00034%; no homozygotes.

Submission:

Labcorp Genetics (formerly Invitae), Labcorp
Classification: Uncertain significance for Hereditary spastic paraplegia 73. Last evaluated: 2023-06-29. Review status: criteria provided, single submitter. Criteria: Invitae Variant Classification Sherloc (09022015). Collection method: clinical testing. Allele origin: germline.
Comment: This sequence change replaces serine, which is neutral and polar, with proline, which is neutral and non-polar, at codon 131 of the CPT1C protein (p.Ser131Pro). This variant is not present in population databases (gnomAD no frequency). This variant has not been reported in the literature in individuals affected with CPT1C-related conditions. An algorithm developed to predict the effect of missense changes on protein structure and function (PolyPhen-2) suggests that this variant is likely to be disruptive. In summary, the available evidence is currently insufficient to determine the role of this variant in disease. Therefore, it has been classified as a Variant of Uncertain Significance.